The following is an entry in ClinVar:

ClinVar aggregate classification (germline): Uncertain significance (1 of 4 stars; one submission).

Conditions:
Immunodeficiency 39 (IMD39). Identifiers: Orphanet 574918, MedGen C4225358, MONDO:0014597, OMIM 616345.

Submission:

Labcorp Genetics (formerly Invitae), Labcorp
Classification: Uncertain significance for Immunodeficiency 39. Last evaluated: 2023-09-01. Review status: criteria provided, single submitter. Criteria: Invitae Variant Classification Sherloc (09022015). Collection method: clinical testing. Allele origin: germline.
Comment: This sequence change replaces leucine, which is neutral and non-polar, with valine, which is neutral and non-polar, at codon 370 of the IRF7 protein (p.Leu370Val). This variant is not present in population databases (gnomAD no frequency). This variant has not been reported in the literature in individuals affected with IRF7-related conditions. Advanced modeling of protein sequence and biophysical properties (such as structural, functional, and spatial information, amino acid conservation, physicochemical variation, residue mobility, and thermodynamic stability) performed at Invitae indicates that this missense variant is not expected to disrupt IRF7 protein function. In summary, the available evidence is currently insufficient to determine the role of this variant in disease. Therefore, it has been classified as a Variant of Uncertain Significance.

NM_001572.5(IRF7):c.1069T>G (p.Leu357Val)

Gene: IRF7 (interferon regulatory factor 7; minus strand). Cytogenetic location: 11p15.5.
Variant type: single nucleotide variant.
Coding change: c.1069T>G on transcript NM_001572.5 (MANE Select); coding-DNA position 1069, T replaced by G.
Protein change: p.Leu357Val; replaces leucine 357 with valine.
Molecular consequence: missense variant.
Genome position (GRCh38, 1-based): chr11:613,374, A>C on the plus strand (T>G on the coding strand, the complement: IRF7 is on the minus strand). VCF-style: chr11-613374-A-C. GRCh37 (hg19) VCF-style: chr11-613374-A-C.
Other names: c.982T>G, p.Leu328Val (NM_004029.4); c.1108T>G, p.Leu370Val (NM_004031.4); short protein forms L370V, L328V, L357V.
Identifiers: ClinVar variation 2757365 (VCV002757365.3), dbSNP rs2493898116, ClinGen allele CA378979022.